The following is an entry in ClinVar:

NM_001042681.2(RERE):c.3898C>T (p.Arg1300Cys)

Gene: RERE (arginine-glutamic acid dipeptide repeats; minus strand). Cytogenetic location: 1p36.23.
Variant type: single nucleotide variant.
Coding change: c.3898C>T on transcript NM_001042681.2 (MANE Select); coding-DNA position 3898, C replaced by T.
Protein change: p.Arg1300Cys; replaces arginine 1300 with cysteine.
Molecular consequence: missense variant.
Genome position (GRCh38, 1-based): chr1:8,358,637, G>A on the plus strand (C>T on the coding strand, the complement: RERE is on the minus strand). VCF-style: chr1-8358637-G-A. GRCh37 (hg19) VCF-style: chr1-8418697-G-A.
Other names: c.2236C>T, p.Arg746Cys (NM_001042682.2); c.3898C>T, p.Arg1300Cys (NM_012102.4); short protein forms R1300C, R746C.
Identifiers: ClinVar variation 4535515 (VCV004535515.1).

ClinVar aggregate classification (germline): Uncertain significance (1 of 4 stars; one submission).

gnomAD v4.1: 30 of 1,586,640 alleles (0.0019%); highest among the groups gnomAD compares: African/African-American, 0.004%; no homozygotes.

Submission:

Women's Health and Genetics/Laboratory Corporation of America, LabCorp
Classification: Uncertain significance. Last evaluated: 2025-09-15. Review status: criteria provided, single submitter. Criteria: LabCorp Variant Classification Summary - May 2015. Collection method: clinical testing. Allele origin: germline.
Comment: Variant summary: RERE c.3898C>T (p.Arg1300Cys) results in a non-conservative amino acid change in the encoded protein sequence. Algorithms developed to predict the effect of missense changes on protein structure and function are either unavailable or do not agree on the potential impact of this missense change. The variant allele was found at a frequency of 9e-06 in 221072 control chromosomes. The available data on variant occurrences in the general population are insufficient to allow any conclusion about variant significance. To our knowledge, no occurrence of c.3898C>T in individuals affected with RERE-related conditions and no experimental evidence demonstrating its impact on protein function have been reported. No submitters have cited clinical-significance assessments for this variant to ClinVar. Based on the evidence outlined above, the variant was classified as uncertain significance.